The following is an entry in ClinVar:

NM_020433.5(JPH2):c.1489C>T (p.Pro497Ser)

Gene: JPH2 (junctophilin 2; minus strand). Cytogenetic location: 20q13.12.
Variant type: single nucleotide variant.
Coding change: c.1489C>T on transcript NM_020433.5 (MANE Select); coding-DNA position 1489, C replaced by T.
Protein change: p.Pro497Ser; replaces proline 497 with serine.
Molecular consequence: missense variant.
Genome position (GRCh38, 1-based): chr20:44,116,186, G>A on the plus strand (C>T on the coding strand, the complement: JPH2 is on the minus strand). VCF-style: chr20-44116186-G-A. GRCh37 (hg19) VCF-style: chr20-42744826-G-A.
Other names: short protein forms P497S.
Identifiers: ClinVar variation 636914 (VCV000636914.4), dbSNP rs1413237923, ClinGen allele CA409100526.
Genomic context (GRCh38, chr20:44,116,186, plus strand): 5'-TGGGCTCGCCGTTCCAGGCGCCTGGGCTCAGCAGGCCGTCCTTGGACACCCCGGGCCTGG[G>A]CCGCTTGGGCTGCGGGGGCGTCCCGGCCGGTGACGGGGAGCCACCCTCGGGCCGAGGGGT-3'
Protein context (NP_065166.2, residues 487-507): PAGTPPQPKR[Pro497Ser]RPGVSKDGLL

ClinVar aggregate classification (germline): Uncertain significance. Review status: criteria provided, multiple submitters, no conflicts (2 of 4 stars). 2 submissions from 2 submitters: Uncertain significance (2). Last evaluated 2024-12-20.

Conditions:
Hypertrophic cardiomyopathy. Also called: HYPERTROPHIC MYOCARDIOPATHY. Identifiers: Orphanet 217569, MedGen C0007194, MeSH D002312, MONDO:0005045, HP:0001639.

Allele frequency attached by ClinVar (database versions not stated): gnomAD exomes below 0.00001 and 0.00008; gnomAD 0.00001; TOPMed 0.00001.
gnomAD v4.1: 3 of 1,392,416 alleles (0.00022%); highest among the groups gnomAD compares: East Asian, 0.0087%; no homozygotes.

Submissions (2):

Labcorp Genetics (formerly Invitae), Labcorp
Classification: Uncertain significance for Hypertrophic cardiomyopathy. Last evaluated: 2024-12-20. Review status: criteria provided, single submitter. Criteria: Invitae Variant Classification Sherloc (09022015). Collection method: clinical testing. Allele origin: germline.
Comment: This sequence change replaces proline, which is neutral and non-polar, with serine, which is neutral and polar, at codon 497 of the JPH2 protein (p.Pro497Ser). This variant is not present in population databases (gnomAD no frequency). This variant has not been reported in the literature in individuals affected with JPH2-related conditions. ClinVar contains an entry for this variant (Variation ID: 636914). An algorithm developed to predict the effect of missense changes on protein structure and function (PolyPhen-2) suggests that this variant is likely to be tolerated. In summary, the available evidence is currently insufficient to determine the role of this variant in disease. Therefore, it has been classified as a Variant of Uncertain Significance.

Blueprint Genetics
Classification: Uncertain significance. Last evaluated: 2019-01-09. Review status: criteria provided, single submitter. Criteria: ACMG Guidelines, 2015. Collection method: clinical testing. Allele origin: germline.